The following is an entry in ClinVar:

NM_018684.4(ZC4H2):c.242A>G (p.Lys81Arg)

Gene: ZC4H2 (zinc finger C4H2-type containing; minus strand). Cytogenetic location: Xq11.2.
Variant type: single nucleotide variant.
Coding change: c.242A>G on transcript NM_018684.4 (MANE Select); coding-DNA position 242, A replaced by G.
Protein change: p.Lys81Arg; replaces lysine 81 with arginine.
Molecular consequence: missense variant. On other transcripts: non-coding transcript variant (1).
Genome position (GRCh38, 1-based): chrX:64,920,237, T>C on the plus strand (A>G on the coding strand, the complement: ZC4H2 is on the minus strand). VCF-style: chrX-64920237-T-C. GRCh37 (hg19) VCF-style: chrX-64140117-T-C.
Other names: c.173A>G, p.Lys58Arg (NM_001178032.3, NM_001243804.2); c.242A>G, p.Lys81Arg (NM_001178033.3); short protein forms K81R, K58R.
Identifiers: ClinVar variation 4991483 (VCV004991483.1).

ClinVar aggregate classification (germline): Uncertain significance (1 of 4 stars; one submission).

Conditions:
ZC4H2-related disorder. Also called: ZC4H2-related condition.

Submission:

PreventionGenetics, part of Exact Sciences
Classification: Uncertain significance for ZC4H2-related condition. Last evaluated: 2025-12-31. Review status: criteria provided, single submitter. Criteria: ACMG Guidelines, 2015. Collection method: clinical testing. Allele origin: germline.
Comment: The ZC4H2 c.242A>G variant is predicted to result in the amino acid substitution p.Lys81Arg. To our knowledge, this variant has not been reported in the literature or in a large population database (gnomAD), indicating this variant is rare. At this time, the clinical significance of this variant is uncertain due to the absence of conclusive functional and genetic evidence.